The following is an entry in ClinVar:

ClinVar aggregate classification (germline): Uncertain significance (1 of 4 stars; one submission).

Submission:

Labcorp Genetics (formerly Invitae), Labcorp
Classification: Uncertain significance. Last evaluated: 2023-04-16. Review status: criteria provided, single submitter. Criteria: Invitae Variant Classification Sherloc (09022015). Collection method: clinical testing. Allele origin: germline.
Comment: This sequence change replaces glycine, which is neutral and non-polar, with glutamic acid, which is acidic and polar, at codon 1051 of the RAI1 protein (p.Gly1051Glu). This variant is not present in population databases (gnomAD no frequency). This variant has not been reported in the literature in individuals affected with RAI1-related conditions. Advanced modeling of protein sequence and biophysical properties (such as structural, functional, and spatial information, amino acid conservation, physicochemical variation, residue mobility, and thermodynamic stability) has been performed at Invitae for this missense variant, however the output from this modeling did not meet the statistical confidence thresholds required to predict the impact of this variant on RAI1 protein function. In summary, the available evidence is currently insufficient to determine the role of this variant in disease. Therefore, it has been classified as a Variant of Uncertain Significance.

NM_030665.4(RAI1):c.3152G>A (p.Gly1051Glu)

Gene: RAI1 (retinoic acid induced 1; plus strand). Cytogenetic location: 17p11.2.
Variant type: single nucleotide variant.
Coding change: c.3152G>A on transcript NM_030665.4 (MANE Select); coding-DNA position 3152, G replaced by A.
Protein change: p.Gly1051Glu; replaces glycine 1051 with glutamic acid.
Molecular consequence: missense variant.
Genome position (GRCh38, 1-based): chr17:17,796,100, G>A. VCF-style: chr17-17796100-G-A. GRCh37 (hg19) VCF-style: chr17-17699414-G-A.
Other names: short protein forms G1051E.
Identifiers: ClinVar variation 2856947 (VCV002856947.3), dbSNP rs2508585543, ClinGen allele CA398553009.